The following is an entry in ClinVar:

NM_004183.4(BEST1):c.1739+47A>G

Gene: BEST1 (bestrophin 1; plus strand). Cytogenetic location: 11q12.3.
Variant type: single nucleotide variant.
Coding change: c.1739+47A>G on transcript NM_004183.4 (MANE Select); 47 bases into the intron after coding-DNA position 1739, A replaced by G.
Molecular consequence: intron variant. On other transcripts: missense variant (9), 3 prime UTR variant (1).
Genome position (GRCh38, 1-based): chr11:61,962,940, A>G. VCF-style: chr11-61962940-A-G. GRCh37 (hg19) VCF-style: chr11-61730412-A-G.
Other names: c.1606A>G (NM_001139443.1); c.1606A>G, p.Thr536Ala (NM_001139443.3); c.1468A>G, p.Thr490Ala (NM_001363591.3); c.*681A>G (NM_001363592.2); c.814A>G, p.Thr272Ala (NM_001363593.3); c.1786A>G, p.Thr596Ala (NM_001440571.1); c.1705A>G, p.Thr569Ala (NM_001440572.1); c.1633A>G, p.Thr545Ala (NM_001440573.1); and 5 more; short protein forms T272A, T458A, T485A, T490A, T509A, T536A, T545A, T569A.
Identifiers: ClinVar variation 4531096 (VCV004531096.2).

ClinVar aggregate classification (germline): Uncertain significance. Review status: criteria provided, multiple submitters, no conflicts (2 of 4 stars). 2 submissions from 2 submitters: Uncertain significance (2). Last evaluated 2025-05-22.

Conditions:
BEST1-related disorder. Also called: BEST1-related condition; BEST1-related disorders. Identifiers: MedGen CN239200.

gnomAD v4.1: 19 of 1,613,784 alleles (0.0012%); highest among the groups gnomAD compares: Non-Finnish European, 0.0016%; no homozygotes.

Submissions (2):

GeneDx
Classification: Uncertain significance. Last evaluated: 2025-05-22. Review status: criteria provided, single submitter. Criteria: GeneDx Variant Classification Process June 2021. Collection method: clinical testing. Allele origin: germline. Affected: yes.
Comment: Not observed at significant frequency in large population cohorts (gnomAD); In silico analysis suggests that this variant does not alter splicing; Has not been previously published as pathogenic or benign to our knowledge; Reported using an alternate transcript of the gene

PreventionGenetics, part of Exact Sciences
Classification: Uncertain significance for BEST1-related condition. Last evaluated: 2024-12-27. Review status: criteria provided, single submitter. Criteria: ACMG Guidelines, 2015. Collection method: clinical testing. Allele origin: germline.
Comment: The BEST1 c.1606A>G variant is predicted to result in the amino acid substitution p.Thr536Ala. To our knowledge, this variant has not been reported in the literature. This variant is reported in 0.0018% of alleles in individuals of European (Non-Finnish) descent in gnomAD. At this time, the clinical significance of this variant is uncertain due to the absence of conclusive functional and genetic evidence.